The following is an entry in ClinVar:

NM_144573.4(NEXN):c.1015del (p.Glu339fs)

Gene: NEXN (nexilin F-actin binding protein; plus strand). Cytogenetic location: 1p31.1.
Variant type: Deletion.
Coding change: c.1015del on transcript NM_144573.4 (MANE Select); coding-DNA position 1015, one base deleted (G; older notation c.1015delG).
Protein change: p.Glu339fs; shifts the reading frame from glutamic acid 339.
Molecular consequence: frameshift variant.
Genome position (GRCh38, 1-based): chr1:77,929,466, G deleted; the last of 2 consecutive G bases (chr1:77,929,465-77,929,466); deleting either gives the same sequence. VCF-style (leftmost placement, unchanged base first): chr1-77929464-AG-A. GRCh37 (hg19) VCF-style: chr1-78395149-AG-A.
Other names: c.823del, p.Glu275fs (NM_001172309.2); short protein forms E275fs, E339fs.
Identifiers: ClinVar variation 4787364 (VCV004787364.1).

ClinVar aggregate classification (germline): Pathogenic (1 of 4 stars; one submission).

Conditions:
Dilated cardiomyopathy 1CC (CMD1CC). Identifiers: Orphanet 154, MedGen C2751084, MONDO:0013147, OMIM 613122.
Hypertrophic cardiomyopathy 20. Identifiers: MedGen C3151267, MONDO:0013477, OMIM 613876.

Submission:

Labcorp Genetics (formerly Invitae), Labcorp
Classification: Pathogenic for Dilated cardiomyopathy 1CC; Hypertrophic cardiomyopathy 20. Last evaluated: 2026-01-25. Review status: criteria provided, single submitter. Criteria: Invitae Variant Classification Sherloc (09022015). Collection method: clinical testing. Allele origin: germline.
Comment: This sequence change creates a premature translational stop signal (p.Glu339Lysfs*14) in the NEXN gene. It is expected to result in an absent or disrupted protein product. Loss-of-function variants in NEXN are known to be pathogenic (PMID: 19881492, 32058062, 32814711, 32870709, 33949776, 38059363, 40680702). This variant is not present in population databases (gnomAD no frequency). This variant has not been reported in the literature in individuals affected with NEXN-related conditions. For these reasons, this variant has been classified as Pathogenic.

Literature cited by the submitters: PubMed 19881492; PubMed 32058062; PubMed 32814711; PubMed 32870709; PubMed 33949776; PubMed 38059363; PubMed 40680702.